The following is an entry in ClinVar:

NM_001042492.3(NF1):c.6002G>C (p.Gly2001Ala)

Gene: NF1 (neurofibromin 1; plus strand). Cytogenetic location: 17q11.2.
Variant type: single nucleotide variant.
Coding change: c.6002G>C on transcript NM_001042492.3 (MANE Select); coding-DNA position 6002, G replaced by C.
Protein change: p.Gly2001Ala; replaces glycine 2001 with alanine.
Molecular consequence: missense variant.
Genome position (GRCh38, 1-based): chr17:31,335,027, G>C. VCF-style: chr17-31335027-G-C. GRCh37 (hg19) VCF-style: chr17-29662045-G-C.
Other names: c.5939G>C, p.Gly1980Ala (NM_000267.4); short protein forms G1980A, G2001A.
Identifiers: ClinVar variation 3342165 (VCV003342165.16).

ClinVar aggregate classification (germline): Likely pathogenic (1 of 4 stars; one submission).

Submission:

CeGaT Center for Human Genetics Tuebingen
Classification: Likely pathogenic. Last evaluated: 2024-08-01. Review status: criteria provided, single submitter. Criteria: CeGaT Center For Human Genetics Tuebingen Variant Classification Criteria Version 2. Collection method: clinical testing. Allele origin: germline. Affected: yes. Observed: 2 variant alleles.
Comment: NF1: PM1, PM2, PM5, PP2, PP3